The following is an entry in ClinVar:

NM_024529.5(CDC73):c.472G>C (p.Glu158Gln)

Gene: CDC73 (cell division cycle 73; plus strand). Cytogenetic location: 1q31.2.
Variant type: single nucleotide variant.
Coding change: c.472G>C on transcript NM_024529.5 (MANE Select); coding-DNA position 472, G replaced by C.
Protein change: p.Glu158Gln; replaces glutamic acid 158 with glutamine.
Molecular consequence: missense variant.
Genome position (GRCh38, 1-based): chr1:193,138,133, G>C. VCF-style: chr1-193138133-G-C. GRCh37 (hg19) VCF-style: chr1-193107263-G-C.
Other names: short protein forms E158Q.
Identifiers: ClinVar variation 3265045 (VCV003265045.1).

ClinVar aggregate classification (germline): Uncertain significance (1 of 4 stars; one submission).

Conditions:
Hereditary cancer-predisposing syndrome. Also called: Hereditary Cancer Syndrome; Tumor predisposition; Hereditary neoplastic syndrome; Neoplastic Syndromes, Hereditary. Identifiers: Orphanet 140162, MedGen C0027672, MeSH D009386, MONDO:0015356.

Submission:

Ambry Genetics
Classification: Uncertain significance for Hereditary cancer-predisposing syndrome. Last evaluated: 2024-06-12. Review status: criteria provided, single submitter. Criteria: Ambry Variant Classification Scheme 2023. Collection method: clinical testing. Allele origin: germline.
Comment: The p.E158Q variant (also known as c.472G>C), located in coding exon 6 of the CDC73 gene, results from a G to C substitution at nucleotide position 472. The glutamic acid at codon 158 is replaced by glutamine, an amino acid with highly similar properties. This amino acid position is conserved. In addition, the in silico prediction for this alteration is inconclusive. Based on the available evidence, the clinical significance of this variant remains unclear.